The following is an entry in ClinVar:

NM_016239.4(MYO15A):c.9494G>A (p.Arg3165Gln)

Gene: MYO15A (myosin XVA; plus strand). Cytogenetic location: 17p11.2.
Variant type: single nucleotide variant.
Coding change: c.9494G>A on transcript NM_016239.4 (MANE Select); coding-DNA position 9494, G replaced by A.
Protein change: p.Arg3165Gln; replaces arginine 3165 with glutamine.
Molecular consequence: missense variant.
Genome position (GRCh38, 1-based): chr17:18,161,424, G>A. VCF-style: chr17-18161424-G-A. GRCh37 (hg19) VCF-style: chr17-18064738-G-A.
Other names: short protein forms R3165Q.
Identifiers: ClinVar variation 517288 (VCV000517288.6), dbSNP rs780281329, ClinGen allele CA8425566.

ClinVar aggregate classification (germline): Conflicting classifications of pathogenicity. Review status: criteria provided, conflicting classifications (1 of 4 stars). 3 submissions from 3 submitters: Uncertain significance (2); Likely benign (1). Last evaluated 2024-11-22.

Allele frequency attached by ClinVar (database versions not stated): ExAC 0.00003; gnomAD 0.00003; gnomAD exomes 0.00003; TOPMed 0.00004.
gnomAD v4.1: 90 of 1,613,864 alleles (0.0056%); highest among the groups gnomAD compares: East Asian, 0.011%; no homozygotes.

Submissions (3):

Blueprint Genetics
Classification: Uncertain significance. Last evaluated: 2024-11-22. Review status: criteria provided, single submitter. Criteria: ACMG Guidelines, 2015. Collection method: clinical testing. Allele origin: germline.

GeneDx
Classification: Uncertain significance. Last evaluated: 2024-05-20. Review status: criteria provided, single submitter. Criteria: GeneDx Variant Classification Process June 2021. Collection method: clinical testing. Allele origin: germline. Affected: yes.
Comment: In silico analysis indicates that this missense variant does not alter protein structure/function; In silico analysis suggests this variant may impact gene splicing. In the absence of RNA/functional studies, the actual effect of this sequence change is unknown.; Has not been previously published as pathogenic or benign to our knowledge

Laboratory for Molecular Medicine, Mass General Brigham Personalized Medicine
Classification: Likely benign. Last evaluated: 2017-02-16. Review status: criteria provided, single submitter. Criteria: LMM Criteria. Collection method: clinical testing. Allele origin: germline. Observed: 1 variant allele.
Comment: p.Arg3165Gln in exon 57 of MYO15A: This variant is not expected to have clinical significance due to a lack of conservation in mammals. Of note, nine mammals ha ve a glutamine (Gln) at this position despite high nearby amino acid sequence co nservation. It has been identified in 2/8644 of East Asian chromosomes and 2/665 94 European chromosomes by the Exome Aggregation Consortium (ExAC; dbSNP rs780281329).